The following is an entry in ClinVar:

NM_024675.4(PALB2):c.2737C>T (p.His913Tyr)

Gene: PALB2 (partner and localizer of BRCA2; minus strand). Cytogenetic location: 16p12.2.
Variant type: single nucleotide variant.
Coding change: c.2737C>T on transcript NM_024675.4 (MANE Select); coding-DNA position 2737, C replaced by T.
Protein change: p.His913Tyr; replaces histidine 913 with tyrosine.
Molecular consequence: missense variant.
Genome position (GRCh38, 1-based): chr16:23,626,247, G>A on the plus strand (C>T on the coding strand, the complement: PALB2 is on the minus strand). VCF-style: chr16-23626247-G-A. GRCh37 (hg19) VCF-style: chr16-23637568-G-A.
Other names: short protein forms H913Y.
Identifiers: ClinVar variation 530041 (VCV000530041.9), dbSNP rs1555459923, ClinGen allele CA395121836.

ClinVar aggregate classification (germline): Uncertain significance (1 of 4 stars; one submission).

Conditions:
Familial cancer of breast. Also called: BREAST CANCER, FAMILIAL; Hereditary breast cancer; hereditary breast carcinoma. Identifiers: Orphanet 227535, MedGen C0346153, MONDO:0016419, OMIM 114480. Disease mechanism: loss of function.

Submission:

Labcorp Genetics (formerly Invitae), Labcorp
Classification: Uncertain significance for Familial cancer of breast. Last evaluated: 2025-08-17. Review status: criteria provided, single submitter. Criteria: Invitae Variant Classification Sherloc (09022015). Collection method: clinical testing. Allele origin: germline.
Comment: This sequence change replaces histidine, which is basic and polar, with tyrosine, which is neutral and polar, at codon 913 of the PALB2 protein (p.His913Tyr). This variant is not present in population databases (gnomAD no frequency). This variant has not been reported in the literature in individuals affected with PALB2-related conditions. ClinVar contains an entry for this variant (Variation ID: 530041). Invitae Evidence Modeling of protein sequence and biophysical properties (such as structural, functional, and spatial information, amino acid conservation, physicochemical variation, residue mobility, and thermodynamic stability) indicates that this missense variant is expected to disrupt PALB2 protein function with a positive predictive value of 80%. In summary, the available evidence is currently insufficient to determine the role of this variant in disease. Therefore, it has been classified as a Variant of Uncertain Significance.